The following is an entry in ClinVar:

ClinVar aggregate classification (germline): Uncertain significance (1 of 4 stars; one submission).

Conditions:
Developmental and epileptic encephalopathy, 27 (DEE27). Also called: Epileptic encephalopathy, early infantile, 27; GRIN2B-Related Neurodevelopmental Disorder. Identifiers: Orphanet 3451, MedGen C4015316, MONDO:0014505, OMIM 616139.
Intellectual developmental disorder, autosomal dominant 6, with or without seizures. Also called: Intellectual disability, autosomal dominant 6; GRIN2B-related developmental delay, intellectual disability and autism spectrum disorder. Identifiers: Orphanet 589547, MedGen C3151411, MONDO:0013509, OMIM 613970.

Submission:

Juno Genomics, Hangzhou Juno Genomics, Inc
Classification: Uncertain significance for Developmental and epileptic encephalopathy, 27; Intellectual developmental disorder, autosomal dominant 6, with or without seizures. Review status: criteria provided, single submitter. Criteria: ACMG Guidelines, 2015. Collection method: clinical testing. Allele origin: germline.
Comment: Absent from controls (or at extremely low frequency if recessive) in Genome Aggregation Database.;Missense variant in a gene that has a low rate of benign missense variation.;Multiple lines of computational evidence support a deleterious effect on the gene or gene product.

NM_000834.5(GRIN2B):c.751G>A (p.Gly251Ser)

Gene: GRIN2B (glutamate ionotropic receptor NMDA type subunit 2B; minus strand). Cytogenetic location: 12p13.1.
Variant type: single nucleotide variant.
Coding change: c.751G>A on transcript NM_000834.5 (MANE Select); coding-DNA position 751, G replaced by A.
Protein change: p.Gly251Ser; replaces glycine 251 with serine.
Molecular consequence: missense variant.
Genome position (GRCh38, 1-based): chr12:13,753,576, C>T on the plus strand (G>A on the coding strand, the complement: GRIN2B is on the minus strand). VCF-style: chr12-13753576-C-T. GRCh37 (hg19) VCF-style: chr12-13906510-C-T.
Other names: c.751G>A, p.Gly251Ser (NM_001413992.1, NM_001413993.1, NM_001413994.1 and 1 more transcripts); short protein forms G251S.
Identifiers: ClinVar variation 5005069 (VCV005005069.2).
Genomic context (GRCh38, chr12:13,753,576, plus strand): 5'-CAGGCACTGTGTCTGTATCCCCTGCCACCAGACTGGGCACGATCCACGTGTAGCCATAGC[C>T]AGTCAGCCCTACTGAGTTGGCCACTTCAAAGATGTAGGTGGCTTCTTCCTTGGTACAGTA-3'
Protein context (NP_000825.2, residues 241-261): FEVANSVGLT[Gly251Ser]YGYTWIVPSL